The following is an entry in ClinVar:

ClinVar aggregate classification (germline): Uncertain significance (3 of 4 stars; one submission).

Conditions:
Bernard Soulier syndrome (BSS). Also called: GLYCOPROTEIN Ib, PLATELET, DEFICIENCY OF; PLATELET GLYCOPROTEIN Ib DEFICIENCY; VON WILLEBRAND FACTOR RECEPTOR DEFICIENCY; Giant platelet syndrome; Hemorrhagiparous thrombocytic dystrophy; Giant platelet disease. Identifiers: Orphanet 274, MedGen C0005129, MeSH D001606, MONDO:0009276, OMIM 231200.

Submission:

ClinGen Platelet Disorders Variant Curation Expert Panel, ClinGen
Classification: Uncertain significance for Bernard Soulier syndrome. Last evaluated: 2025-12-16. Review status: reviewed by expert panel. Criteria: ClinGen Platelet ACMG Specifications GP1BA V1.0.0. Collection method: curation. Allele origin: germline. Inheritance: Autosomal recessive inheritance.
Comment: The c.1A>C (p.Met1?) abolishes the translation start site in the GP1BA protein with the next potential inframe-start codon occurring at Met68. This would lead to the omission of the functionally important signal peptide (residues 1-16), however, no Likely Pathogenic or Pathogenic missense or inframe indel variants have been curated by the ClinGen Platelet Disorders VCEP for GP1BA affecting residues 1-68 (PVS1_Supporting). This variant has been reported in the homozygous state in at least one patient (Patient 1, Family BSS2 in PMID:24934643) with aggregation absent or markedly reduced for ristocetin while normal for other agonists with a reduction of GPIba expression by flow cytometry, however, this reduction does not meet the Platelet Disorders VCEP criteria for PP4 (0.5 points PM3; PM3_Supporting). The allele frequency in gnomAD v4.1 is 0.00001099 (based on 1/91008 alleles) in the South Asian population, which is lower than the ClinGen PD VCEP threshold for PM2_Supporting (<0.0001114; PM2_Supporting). In summary, this variant meets the criteria to be classified as a variant of uncertain significance for autosomal recessive Bernard-Soulier syndrome. ACMG/AMP criteria applied, as specified by the ClinGen Platelet Disorders VCEP (specifications version 1.0): PM3_Supporting, PVS1_Supporting, PM2_Supporting.

NM_000173.7(GP1BA):c.1A>C (p.Met1Leu)

Gene: GP1BA (glycoprotein Ib platelet subunit alpha; plus strand). Cytogenetic location: 17p13.2.
Variant type: single nucleotide variant.
Coding change: c.1A>C on transcript NM_000173.7 (MANE Select); coding-DNA position 1, A replaced by C.
Protein change: p.Met1Leu; changes the start codon (methionine 1).
Molecular consequence: missense variant, initiator codon variant.
Genome position (GRCh38, 1-based): chr17:4,932,605, A>C. VCF-style: chr17-4932605-A-C. GRCh37 (hg19) VCF-style: chr17-4835900-A-C.
Other names: NM_000173.7:c.1A>C; short protein forms M1L.
Identifiers: ClinVar variation 4538996 (VCV004538996.1).